The following is an entry in ClinVar:

NM_012062.5(DNM1L):c.684T>G (p.Asp228Glu)

Gene: DNM1L (dynamin 1 like; plus strand). Cytogenetic location: 12p11.21.
Variant type: single nucleotide variant.
Coding change: c.684T>G on transcript NM_012062.5 (MANE Select); coding-DNA position 684, T replaced by G.
Protein change: p.Asp228Glu; replaces aspartic acid 228 with glutamic acid.
Molecular consequence: missense variant. On other transcripts: intron variant (1).
Genome position (GRCh38, 1-based): chr12:32,718,707, T>G. VCF-style: chr12-32718707-T-G. GRCh37 (hg19) VCF-style: chr12-32871641-T-G.
Other names: c.684T>G, p.Asp228Glu (NM_001278463.2, NM_005690.5, NM_012063.4); c.723T>G, p.Asp241Glu (NM_001278464.2, NM_001278465.2, NM_001330380.2); c.132-1957T>G (NM_001278466.2); short protein forms D241E, D228E.
Identifiers: ClinVar variation 2137061 (VCV002137061.4), dbSNP rs779468068, ClinGen allele CA6507395.

ClinVar aggregate classification (germline): Uncertain significance (1 of 4 stars; one submission).

Allele frequency attached by ClinVar (database versions not stated): TOPMed below 0.00001; gnomAD 0.00001; ExAC 0.00003.
gnomAD v4.1: 8 of 1,613,788 alleles (0.0005%); highest among the groups gnomAD compares: Admixed American, 0.013%; no homozygotes.

Submission:

Labcorp Genetics (formerly Invitae), Labcorp
Classification: Uncertain significance. Last evaluated: 2025-02-17. Review status: criteria provided, single submitter. Criteria: Invitae Variant Classification Sherloc (09022015). Collection method: clinical testing. Allele origin: germline.
Comment: This sequence change replaces aspartic acid, which is acidic and polar, with glutamic acid, which is acidic and polar, at codon 228 of the DNM1L protein (p.Asp228Glu). This variant is present in population databases (rs779468068, gnomAD 0.02%). This variant has not been reported in the literature in individuals affected with DNM1L-related conditions. ClinVar contains an entry for this variant (Variation ID: 2137061). An algorithm developed to predict the effect of missense changes on protein structure and function (PolyPhen-2) suggests that this variant is likely to be tolerated. Algorithms developed to predict the effect of sequence changes on RNA splicing suggest that this variant may create or strengthen a splice site. In summary, the available evidence is currently insufficient to determine the role of this variant in disease. Therefore, it has been classified as a Variant of Uncertain Significance.